The following is an entry in ClinVar:

ClinVar aggregate classification (germline): Uncertain significance (1 of 4 stars; one submission).

Conditions:
Autosomal dominant nonsyndromic hearing loss 1. Also called: KONIGSMARK SYNDROME; DEAFNESS, AUTOSOMAL DOMINANT 1, WITH OR WITHOUT THROMBOCYTOPENIA. Identifiers: Orphanet 90635, MedGen C1852282, MONDO:0007424, OMIM 124900.
Progressive microcephaly-seizures-cortical blindness-developmental delay syndrome. Also called: Seizures, cortical blindness, and microcephaly syndrome. Identifiers: Orphanet 477814, MedGen C5567650, MONDO:0014714, OMIM 616632.

Submission:

Labcorp Genetics (formerly Invitae), Labcorp
Classification: Uncertain significance for Progressive microcephaly-seizures-cortical blindness-developmental delay syndrome; Autosomal dominant nonsyndromic hearing loss 1. Last evaluated: 2025-01-05. Review status: criteria provided, single submitter. Criteria: Invitae Variant Classification Sherloc (09022015). Collection method: clinical testing. Allele origin: germline.
Comment: This sequence change replaces threonine, which is neutral and polar, with asparagine, which is neutral and polar, at codon 818 of the DIAPH1 protein (p.Thr818Asn). This variant is not present in population databases (gnomAD no frequency). This variant has not been reported in the literature in individuals affected with DIAPH1-related conditions. An algorithm developed to predict the effect of missense changes on protein structure and function (PolyPhen-2) suggests that this variant is likely to be tolerated. In summary, the available evidence is currently insufficient to determine the role of this variant in disease. Therefore, it has been classified as a Variant of Uncertain Significance.

NM_005219.5(DIAPH1):c.2453C>A (p.Thr818Asn)

Gene: DIAPH1 (diaphanous related formin 1; minus strand). Cytogenetic location: 5q31.3.
Variant type: single nucleotide variant.
Coding change: c.2453C>A on transcript NM_005219.5 (MANE Select); coding-DNA position 2453, C replaced by A.
Protein change: p.Thr818Asn; replaces threonine 818 with asparagine.
Molecular consequence: missense variant.
Genome position (GRCh38, 1-based): chr5:141,571,946, G>T on the plus strand (C>A on the coding strand, the complement: DIAPH1 is on the minus strand). VCF-style: chr5-141571946-G-T. GRCh37 (hg19) VCF-style: chr5-140951513-G-T.
Other names: c.2426C>A, p.Thr809Asn (NM_001079812.3); c.2453C>A, p.Thr818Asn (NM_001314007.2); short protein forms T809N, T818N.
Identifiers: ClinVar variation 3758157 (VCV003758157.2).